The following is an entry in ClinVar:

NM_138927.4(SON):c.6469-8T>A

Gene: SON (SON DNA and RNA binding protein; plus strand). Cytogenetic location: 21q22.11.
Variant type: single nucleotide variant.
Coding change: c.6469-8T>A on transcript NM_138927.4 (MANE Select); 8 bases into the intron before coding-DNA position 6469, T replaced by A.
Molecular consequence: intron variant.
Genome position (GRCh38, 1-based): chr21:33,559,579, T>A. VCF-style: chr21-33559579-T-A. GRCh37 (hg19) VCF-style: chr21-34931885-T-A.
Other names: c.553-8T>A (NM_001291412.3); c.6469-8T>A (NM_032195.3).
Identifiers: ClinVar variation 1309406 (VCV001309406.2), dbSNP rs760022710, ClinGen allele CA2573054923.

ClinVar aggregate classification (germline): Uncertain significance (1 of 4 stars; one submission).

Submission:

GeneDx
Classification: Uncertain significance. Last evaluated: 2019-10-30. Review status: criteria provided, single submitter. Criteria: GeneDx Variant Classification Process June 2021. Collection method: clinical testing. Allele origin: germline. Affected: yes.
Comment: Not observed in large population cohorts (Lek et al., 2016); Has not been previously published as pathogenic or benign to our knowledge; In-silico analysis, which includes splice predictors and evolutionary conservation, is inconclusive as to whether the variant alters gene splicing. In the absence of RNA/functional studies, the actual effect of this sequence change is unknown.